The following is an entry in ClinVar:

NM_016604.4(KDM3B):c.1134A>T (p.Thr378=)

Gene: KDM3B (lysine demethylase 3B; plus strand). Cytogenetic location: 5q31.2.
Variant type: single nucleotide variant.
Coding change: c.1134A>T on transcript NM_016604.4 (MANE Select); coding-DNA position 1134, A replaced by T.
Protein change: p.Thr378=; no amino-acid change (threonine 378 retained).
Molecular consequence: synonymous variant.
Genome position (GRCh38, 1-based): chr5:138,386,375, A>T. VCF-style: chr5-138386375-A-T. GRCh37 (hg19) VCF-style: chr5-137722064-A-T.
Identifiers: ClinVar variation 3046913 (VCV003046913.2), dbSNP rs144389568, ClinGen allele CA3428849.

ClinVar aggregate classification (germline): Likely benign (0 of 4 stars; one submission).

Conditions:
KDM3B-related disorder. Also called: KDM3B-related condition.

Allele frequency attached by ClinVar (database versions not stated): gnomAD 0.00005; TOPMed 0.00005; ExAC 0.00007; gnomAD exomes 0.00017; ESP Exome Variant Server 0.00031.
gnomAD v4.1: 264 of 1,614,068 alleles (0.016%); highest among the groups gnomAD compares: Middle Eastern, 0.033%; no homozygotes.

Submission:

PreventionGenetics, part of Exact Sciences
Classification: Likely benign for KDM3B-related condition. Last evaluated: 2022-01-19. Review status: no assertion criteria provided. Collection method: clinical testing. Allele origin: germline.
Comment: This variant is classified as likely benign based on ACMG/AMP sequence variant interpretation guidelines (Richards et al. 2015 PMID: 25741868, with internal and published modifications).